The following is an entry in ClinVar:

ClinVar aggregate classification (germline): Pathogenic. Review status: criteria provided, multiple submitters, no conflicts (2 of 4 stars). 4 submissions from 4 submitters: Pathogenic (4). Last evaluated 2025-04-04.

Conditions:
Hereditary cancer-predisposing syndrome. Also called: Hereditary neoplastic syndrome; Neoplastic Syndromes, Hereditary; Hereditary Cancer Syndrome; Tumor predisposition. Identifiers: Orphanet 140162, MedGen C0027672, MeSH D009386, MONDO:0015356.
Classic or attenuated familial adenomatous polyposis. Identifiers: MedGen CN372698, MONDO:0021057.
Familial adenomatous polyposis 1 (FAP1). Also called: POLYPOSIS, ADENOMATOUS INTESTINAL; FAMILIAL ADENOMATOUS POLYPOSIS 1, ATTENUATED. Identifiers: MedGen C2713442, MONDO:0021056, OMIM 175100. Disease mechanism: loss of function.

Submissions (4):

Ambry Genetics
Classification: Pathogenic for Hereditary cancer-predisposing syndrome. Last evaluated: 2025-04-04. Review status: criteria provided, single submitter. Criteria: Ambry Variant Classification Scheme 2023. Collection method: clinical testing. Allele origin: germline.
Comment: The p.Y737* pathogenic mutation (also known as c.2211C>G), located in coding exon 15 of the APC gene, results from a C to G substitution at nucleotide position 2211. This changes the amino acid from a tyrosine to a stop codon within coding exon 15. This alteration occurs at the 3' terminus of theAPC gene, is not expected to trigger nonsense-mediated mRNA decay, and impacts the last 74% of the protein. However, premature stop codons are typically deleterious in nature and a significant portion of the protein is affected (Ambry internal data). This variant was reported in individual(s) with features consistent with familial adenomatous polyposis (FAP) (Akaishi J et al. World J Surg, 2018 Nov;42:3616-3623; Ambry internal data). This variant is considered to be rare based on population cohorts in the Genome Aggregation Database (gnomAD). Based on the supporting evidence, this variant is interpreted as a disease-causing mutation.

All of Us Research Program, National Institutes of Health
Classification: Pathogenic for Classic or attenuated familial adenomatous polyposis. Last evaluated: 2023-07-10. Review status: criteria provided, single submitter. Criteria: ACMG Guidelines, 2015. Collection method: clinical testing. Allele origin: germline. Inheritance: Autosomal dominant inheritance. Observed: 1 variant allele, 1 heterozygote.
Comment: This variant changes 1 nucleotide in exon 16 of the APC gene, creating a premature translation stop signal. This variant is expected to result in an absent or non-functional protein product. To our knowledge, this variant has been reported in two sister affected with papillary thyroid carcinoma (PTC) and familial adenomatous polyposis (FAP) (PMID: 29696324). This variant has not been identified in the general population by the Genome Aggregation Database (gnomAD). Loss of APC function is a known mechanism of disease. Based on the available evidence, this variant is classified as Pathogenic.

This study involves interpretation of variants in research participants for the purpose of population health screening. Participant phenotype was not available at the time of variant classification. Additional details can be found in publication PMID: 35346344, PMCID: PMC8962531

Myriad Genetics, Inc.
Classification: Pathogenic for Familial adenomatous polyposis 1. Last evaluated: 2023-05-04. Review status: criteria provided, single submitter. Criteria: Myriad Autosomal Dominant, Autosomal Recessive and X-Linked Classification Criteria (2023). Collection method: clinical testing. Allele origin: unknown.
Comment: This variant is considered pathogenic. This variant creates a termination codon and is predicted to result in premature protein truncation.

Labcorp Genetics (formerly Invitae), Labcorp
Classification: Pathogenic for Familial adenomatous polyposis 1. Last evaluated: 2020-05-20. Review status: criteria provided, single submitter. Criteria: Invitae Variant Classification Sherloc (09022015). Collection method: clinical testing. Allele origin: germline.
Comment: For these reasons, this variant has been classified as Pathogenic. A different truncation (p.Tyr2645Lysfs*14) that lies downstream of this variant has been determined to be pathogenic (PMID: 9824584, 1316610, 27081525, 8381579, 22135120, Invitae). This suggests that deletion of this region of the APC protein is causative of disease This variant is expected to disrupt the EB1 and HDLG binding sites, which mediate interactions with the cytoskeleton (PMID: 15311282, 17293347). While functional studies have not been performed to directly test the effect on APC protein function, this suggests that disruption of the C-terminal portion of the protein is functionally important. This variant has not been reported in the literature in individuals with APC-related conditions. This variant is not present in population databases (ExAC no frequency). This sequence change results in a premature translational stop signal in the APC gene (p.Tyr737*). While this is not anticipated to result in nonsense mediated decay, it is expected to disrupt the last 2107 amino acids of the APC protein.

Literature cited by the submitters: PubMed 29696324 (cited by Ambry Genetics and All of Us Research Program, National Institutes of Health); PubMed 9824584 (cited by Labcorp Genetics (formerly Invitae), Labcorp); PubMed 1316610 (cited by Labcorp Genetics (formerly Invitae), Labcorp); PubMed 27081525 (cited by Labcorp Genetics (formerly Invitae), Labcorp); PubMed 8381579 (cited by Labcorp Genetics (formerly Invitae), Labcorp); PubMed 22135120 (cited by Labcorp Genetics (formerly Invitae), Labcorp); PubMed 15311282 (cited by Labcorp Genetics (formerly Invitae), Labcorp); PubMed 17293347 (cited by Labcorp Genetics (formerly Invitae), Labcorp).

NM_000038.6(APC):c.2211C>G (p.Tyr737Ter)

Gene: APC (APC regulator of Wnt signaling pathway; plus strand). Cytogenetic location: 5q22.2.
Variant type: single nucleotide variant.
Coding change: c.2211C>G on transcript NM_000038.6 (MANE Select); coding-DNA position 2211, C replaced by G.
Protein change: p.Tyr737Ter; replaces tyrosine 737 with a stop codon.
Molecular consequence: nonsense.
Genome position (GRCh38, 1-based): chr5:112,837,805, C>G. VCF-style: chr5-112837805-C-G. GRCh37 (hg19) VCF-style: chr5-112173502-C-G.
Other names: c.2211C>G, p.Tyr737Ter (NM_001127510.3, NM_001354895.2); c.2157C>G, p.Tyr719Ter (NM_001127511.3); c.2265C>G, p.Tyr755Ter (NM_001354896.2); c.2241C>G, p.Tyr747Ter (NM_001354897.2); c.2136C>G, p.Tyr712Ter (NM_001354898.2); c.2127C>G, p.Tyr709Ter (NM_001354899.2); c.2088C>G, p.Tyr696Ter (NM_001354900.2); c.2034C>G, p.Tyr678Ter (NM_001354901.2); and 5 more; short protein forms Y696*, Y709*, Y712*, Y737*, Y747*, Y755*, Y454*, Y611*.
Identifiers: ClinVar variation 968084 (VCV000968084.14), dbSNP rs1765131004, ClinGen allele CA16026176.